The following is an entry in ClinVar:

NM_001042492.3(NF1):c.3940_3941insA (p.Trp1314Ter)

Gene: NF1 (neurofibromin 1; plus strand). Cytogenetic location: 17q11.2.
Variant type: Insertion.
Coding change: c.3940_3941insA on transcript NM_001042492.3 (MANE Select); coding-DNA positions 3940 to 3941, A inserted.
Protein change: p.Trp1314Ter; replaces tryptophan 1314 with a stop codon.
Molecular consequence: nonsense. On other transcripts: frameshift variant (1).
Genome position: GRCh38 VCF-style: chr17-31235987-T-TA. GRCh37 (hg19) VCF-style: chr17-29563005-T-TA.
Other names: c.3940_3941insA, p.Trp1314Terfs (NM_000267.4); short protein forms W1314*.
Identifiers: ClinVar variation 3645003 (VCV003645003.2).

ClinVar aggregate classification (germline): Pathogenic (1 of 4 stars; one submission).

Conditions:
Neurofibromatosis, type 1 (NF1). Also called: Peripheral type neurofibromatosis; VON RECKLINGHAUSEN DISEASE; Neurofibromatosis, type I; NEUROFIBROMATOSIS, TYPE I, SOMATIC. Identifiers: Orphanet 636, MedGen C0027831, MONDO:0018975, OMIM 162200. Disease mechanism: loss of function.

Submission:

Labcorp Genetics (formerly Invitae), Labcorp
Classification: Pathogenic for Neurofibromatosis, type 1. Last evaluated: 2024-03-07. Review status: criteria provided, single submitter. Criteria: Invitae Variant Classification Sherloc (09022015). Collection method: clinical testing. Allele origin: germline.
Comment: This sequence change creates a premature translational stop signal (p.Trp1314*) in the NF1 gene. It is expected to result in an absent or disrupted protein product. Loss-of-function variants in NF1 are known to be pathogenic (PMID: 10712197, 23913538). This variant is not present in population databases (gnomAD no frequency). This variant has not been reported in the literature in individuals affected with NF1-related conditions. Algorithms developed to predict the effect of sequence changes on RNA splicing suggest that this variant may disrupt the consensus splice site. For these reasons, this variant has been classified as Pathogenic.

Literature cited by the submitters: PubMed 10712197; PubMed 23913538.